The following is an entry in ClinVar:

NM_003072.5(SMARCA4):c.494A>G (p.Gln165Arg)

Gene: SMARCA4 (SWI/SNF related BAF chromatin remodeling complex subunit ATPase 4; plus strand). Cytogenetic location: 19p13.2.
Variant type: single nucleotide variant.
Coding change: c.494A>G on transcript NM_003072.5 (MANE Select); coding-DNA position 494, A replaced by G.
Protein change: p.Gln165Arg; replaces glutamine 165 with arginine.
Molecular consequence: missense variant. On other transcripts: non-coding transcript variant (1).
Genome position (GRCh38, 1-based): chr19:10,986,327, A>G. VCF-style: chr19-10986327-A-G. GRCh37 (hg19) VCF-style: chr19-11097003-A-G.
Other names: c.494A>G, p.Gln165Arg (NM_001128848.2, NM_001128849.3, NM_001374457.1 and 6 more transcripts); short protein forms Q165R.
Identifiers: ClinVar variation 5029839 (VCV005029839.1).
Genomic context (GRCh38, chr19:10,986,327, plus strand): 5'-TGTCTTCCGGGCCAGGAGGTGCCCCGCTGGATGGTGCTGACCCCCAGGCCTTGGGGCAGC[A>G]GAACCGGGGCCCAACCCCATTTAACCAGAACCAGCTGCACCAGCTCAGAGCTCAGATCAT-3'
Protein context (NP_003063.2, residues 155-175): DGADPQALGQ[Gln165Arg]NRGPTPFNQN

ClinVar aggregate classification (germline): Uncertain significance (1 of 4 stars; one submission).

Conditions:
Hereditary cancer-predisposing syndrome. Also called: Neoplastic Syndromes, Hereditary; Tumor predisposition; Hereditary neoplastic syndrome; Hereditary Cancer Syndrome. Identifiers: Orphanet 140162, MedGen C0027672, MeSH D009386, MONDO:0015356.

gnomAD v4.1: 1 of 1,613,548 alleles (0.000062%); highest among the groups gnomAD compares: Non-Finnish European, 0.000085%; no homozygotes.

Submission:

Ambry Genetics
Classification: Uncertain significance for Hereditary cancer-predisposing syndrome. Last evaluated: 2026-07-07. Review status: criteria provided, single submitter. Criteria: Ambry Variant Classification Scheme 2023. Collection method: clinical testing. Allele origin: germline.
Comment: The p.Q165R variant (also known as c.494A>G), located in coding exon 3 of the SMARCA4 gene, results from an A to G substitution at nucleotide position 494. The glutamine at codon 165 is replaced by arginine, an amino acid with highly similar properties. This amino acid position is conserved. In addition, this alteration is predicted to be tolerated by in silico analysis. Based on the available evidence, the clinical significance of this variant remains unclear.